The following is an entry in ClinVar:

NM_001042492.3(NF1):c.2850+2T>G

Gene: NF1 (neurofibromin 1; plus strand). Cytogenetic location: 17q11.2.
Variant type: single nucleotide variant.
Coding change: c.2850+2T>G on transcript NM_001042492.3 (MANE Select); the canonical splice donor site of the intron after coding-DNA position 2850, T replaced by G.
Molecular consequence: splice donor variant.
Genome position (GRCh38, 1-based): chr17:31,229,467, T>G. VCF-style: chr17-31229467-T-G. GRCh37 (hg19) VCF-style: chr17-29556485-T-G.
Other names: c.2850+2T>G (NM_000267.4).
Identifiers: ClinVar variation 659863 (VCV000659863.7), dbSNP rs1597715880, ClinGen allele CA398985907.
Genomic context (GRCh38, chr17:31,229,467, plus strand): 5'-CAATGCTATTTAACAAATTGAAGAATACCATCAGCAAGTTTTTTGACTCCCAAGGACAGG[T>G]AAAGTGTTCTCTTATTTTTCACCTTTCTCTATGAATAGAGTGACTTGTTTGAAATAAGCC-3'

ClinVar aggregate classification (germline): Pathogenic/Likely pathogenic. Review status: criteria provided, multiple submitters, no conflicts (2 of 4 stars). 2 submissions from 2 submitters: Pathogenic (1); Likely pathogenic (1). Last evaluated 2024-03-17.

Conditions:
Hereditary cancer-predisposing syndrome. Also called: Neoplastic Syndromes, Hereditary; Hereditary neoplastic syndrome; Tumor predisposition; Hereditary Cancer Syndrome. Identifiers: Orphanet 140162, MedGen C0027672, MeSH D009386, MONDO:0015356.
Cardiovascular phenotype. Identifiers: MedGen CN230736.
Neurofibromatosis, type 1 (NF1). Also called: VON RECKLINGHAUSEN DISEASE; NEUROFIBROMATOSIS, TYPE I, SOMATIC; Peripheral type neurofibromatosis; Neurofibromatosis, type I. Identifiers: Orphanet 636, MedGen C0027831, MONDO:0018975, OMIM 162200. Disease mechanism: loss of function.

Submissions (2):

Labcorp Genetics (formerly Invitae), Labcorp
Classification: Pathogenic for Neurofibromatosis, type 1. Last evaluated: 2024-03-17. Review status: criteria provided, single submitter. Criteria: Invitae Variant Classification Sherloc (09022015). Collection method: clinical testing. Allele origin: germline.
Comment: This sequence change affects a donor splice site in intron 21 of the NF1 gene. RNA analysis indicates that disruption of this splice site induces altered splicing and may result in an absent or disrupted protein product. This variant is not present in population databases (gnomAD no frequency). Disruption of this splice site has been observed in individual(s) with neurofibromatosis, type 1 (PMID: 25480383, 27074763, 27999334). ClinVar contains an entry for this variant (Variation ID: 659863). Studies have shown that disruption of this splice site results in activation of a cryptic splice site and introduces a premature termination codon (PMID: 27074763). The resulting mRNA is expected to undergo nonsense-mediated decay. For these reasons, this variant has been classified as Pathogenic.

Ambry Genetics
Classification: Likely pathogenic for Cardiovascular phenotype; Hereditary cancer-predisposing syndrome. Last evaluated: 2022-11-15. Review status: criteria provided, single submitter. Criteria: Ambry Variant Classification Scheme 2023. Collection method: clinical testing. Allele origin: germline.
Comment: The c.2850+2T>G intronic variant results from a T to G substitution two nucleotides after coding exon 21 in the NF1 gene. In silico splice site analysis predicts that this alteration will weaken the native splice donor site. The resulting transcript is predicted to be in-frame and is not expected to trigger nonsense-mediated mRNAdecay; however, direct evidence is unavailable. The exact functional effect of the altered amino acid sequence is unknown; however, the impacted region is critical for protein function (Ambry internal data). This alteration has been observed in at least one individual with a personal and/or family history that is consistent with NF1-related disease (Ambry internal data). This variant is considered to be rare based on population cohorts in the Genome Aggregation Database (gnomAD). This nucleotide position is highly conserved in available vertebrate species. Based on the majority of available evidence to date, this variant is likely to be pathogenic.

Literature cited by the submitters: PubMed 25480383 (cited by Labcorp Genetics (formerly Invitae), Labcorp); PubMed 27074763 (cited by Labcorp Genetics (formerly Invitae), Labcorp); PubMed 27999334 (cited by Labcorp Genetics (formerly Invitae), Labcorp).